The following is an entry in ClinVar:

NM_181426.2(CCDC39):c.73A>G (p.Lys25Glu)

Gene: CCDC39 (coiled-coil domain 39 molecular ruler complex subunit; minus strand). Cytogenetic location: 3q26.33.
Variant type: single nucleotide variant.
Coding change: c.73A>G on transcript NM_181426.2 (MANE Select); coding-DNA position 73, A replaced by G.
Protein change: p.Lys25Glu; replaces lysine 25 with glutamic acid.
Molecular consequence: missense variant.
Genome position (GRCh38, 1-based): chr3:180,679,308, T>C on the plus strand (A>G on the coding strand, the complement: CCDC39 is on the minus strand). VCF-style: chr3-180679308-T-C. GRCh37 (hg19) VCF-style: chr3-180397096-T-C.
Other names: short protein forms K25E.
Identifiers: ClinVar variation 580291 (VCV000580291.6), dbSNP rs746593370, ClinGen allele CA88646565.
Genomic context (GRCh38, chr3:180,679,308, plus strand): 5'-CAGGCTCTCTCTGCTTCCTCCCGCCTGCTTCAATTGATCTCACCTGATCTTCCAGTAGCT[T>C]GTTCTCCTCGTTCGCCACCGGGATGGCGAACCCATCCTCCCAGTGCAGCTCAGCCAGGAA-3'
Protein context (NP_852091.1, residues 15-35): FAIPVANEEN[Lys25Glu]LLEDQLSKLK

ClinVar aggregate classification (germline): Uncertain significance (1 of 4 stars; one submission).

Conditions:
Primary ciliary dyskinesia. Also called: Ciliary dyskinesia. Identifiers: Orphanet 244, MedGen C0008780, MONDO:0016575, HP:0012265.

Allele frequency attached by ClinVar (database versions not stated): gnomAD exomes 0.00001.
gnomAD v4.1: 17 of 1,613,884 alleles (0.0011%); highest among the groups gnomAD compares: Non-Finnish European, 0.0014%; no homozygotes.

Submission:

Labcorp Genetics (formerly Invitae), Labcorp
Classification: Uncertain significance for Primary ciliary dyskinesia. Last evaluated: 2021-08-31. Review status: criteria provided, single submitter. Criteria: Invitae Variant Classification Sherloc (09022015). Collection method: clinical testing. Allele origin: germline.
Comment: This sequence change replaces lysine with glutamic acid at codon 25 of the CCDC39 protein (p.Lys25Glu). The lysine residue is highly conserved and there is a small physicochemical difference between lysine and glutamic acid. This variant is not present in population databases (ExAC no frequency). This variant has not been reported in the literature in individuals affected with CCDC39-related conditions. Algorithms developed to predict the effect of missense changes on protein structure and function are either unavailable or do not agree on the potential impact of this missense change (SIFT: "Tolerated"; PolyPhen-2: "Probably Damaging"; Align-GVGD: "Class C0"). In summary, the available evidence is currently insufficient to determine the role of this variant in disease. Therefore, it has been classified as a Variant of Uncertain Significance.